The following is an entry in ClinVar:

ClinVar aggregate classification (germline): Uncertain significance (1 of 4 stars; one submission).

Submission:

Labcorp Genetics (formerly Invitae), Labcorp
Classification: Uncertain significance. Last evaluated: 2026-01-02. Review status: criteria provided, single submitter. Criteria: Invitae Variant Classification Sherloc (09022015). Collection method: clinical testing. Allele origin: germline.
Comment: This sequence change replaces glycine, which is neutral and non-polar, with cysteine, which is neutral and slightly polar, at codon 625 of the RNF43 protein (p.Gly625Cys). This variant is not present in population databases (gnomAD no frequency). This variant has not been reported in the literature in individuals affected with RNF43-related conditions. ClinVar contains an entry for this variant (Variation ID: 999025). An algorithm developed to predict the effect of missense changes on protein structure and function (PolyPhen-2) suggests that this variant is likely to be disruptive. In summary, the available evidence is currently insufficient to determine the role of this variant in disease. Therefore, it has been classified as a Variant of Uncertain Significance.

NM_017763.6(RNF43):c.1873G>T (p.Gly625Cys)

Gene: RNF43 (ring finger protein 43; minus strand). Cytogenetic location: 17q22.
Variant type: single nucleotide variant.
Coding change: c.1873G>T on transcript NM_017763.6 (MANE Select); coding-DNA position 1873, G replaced by T.
Protein change: p.Gly625Cys; replaces glycine 625 with cysteine.
Molecular consequence: missense variant.
Genome position (GRCh38, 1-based): chr17:58,357,903, C>A on the plus strand (G>T on the coding strand, the complement: RNF43 is on the minus strand). VCF-style: chr17-58357903-C-A. GRCh37 (hg19) VCF-style: chr17-56435264-C-A.
Other names: c.1873G>T, p.Gly625Cys (NM_001305544.3); c.1492G>T, p.Gly498Cys (NM_001305545.2); short protein forms G498C, G625C.
Identifiers: ClinVar variation 999025 (VCV000999025.8), dbSNP rs1972727600, ClinGen allele CA400387123.